The following is an entry in ClinVar:

ClinVar aggregate classification (germline): Pathogenic (1 of 4 stars; one submission).

Submission:

Labcorp Genetics (formerly Invitae), Labcorp
Classification: Pathogenic. Last evaluated: 2023-07-10. Review status: criteria provided, single submitter. Criteria: Invitae Variant Classification Sherloc (09022015). Collection method: clinical testing. Allele origin: unknown.
Comment: A gross deletion of the genomic region encompassing the full coding sequence of the SLC45A2 gene has been identified. Loss-of-function variants in SLC45A2 are known to be pathogenic (PMID: 21458243, 26573111). The boundaries of this event are unknown as they extend beyond the assayed region for this gene and therefore may encompass additional genes. Isolated whole-gene deletions of SLC45A2 have not been reported in the literature. However, larger copy number events that include this gene have been reported (PMID: 22987308, 24118800). For these reasons, this variant has been classified as Pathogenic.

Literature cited by the submitters: PubMed 21458243; PubMed 26573111; PubMed 22987308; PubMed 24118800.

NC_000005.9:g.(?_33944753)_(33985180_?)del

Gene: SLC45A2 (solute carrier family 45 member 2; minus strand). Cytogenetic location: 5p13.2.
Variant type: Deletion.
Identifiers: ClinVar variation 3246522 (VCV003246522.1).